The following is an entry in ClinVar:

NM_016239.4(MYO15A):c.9947A>C (p.Gln3316Pro)

Gene: MYO15A (myosin XVA; plus strand). Cytogenetic location: 17p11.2.
Variant type: single nucleotide variant.
Coding change: c.9947A>C on transcript NM_016239.4 (MANE Select); coding-DNA position 9947, A replaced by C.
Protein change: p.Gln3316Pro; replaces glutamine 3316 with proline.
Molecular consequence: missense variant.
Genome position (GRCh38, 1-based): chr17:18,166,520, A>C. VCF-style: chr17-18166520-A-C. GRCh37 (hg19) VCF-style: chr17-18069834-A-C.
Other names: short protein forms Q3316P.
Identifiers: ClinVar variation 4076783 (VCV004076783.1).

ClinVar aggregate classification (germline): Uncertain significance (1 of 4 stars; one submission).

gnomAD v4.1: 2 of 1,612,770 alleles (0.00012%); highest among the groups gnomAD compares: Non-Finnish European, 0.00017%; no homozygotes.

Submission:

GeneDx
Classification: Uncertain significance. Last evaluated: 2025-02-23. Review status: criteria provided, single submitter. Criteria: GeneDx Variant Classification Process June 2021. Collection method: clinical testing. Allele origin: germline. Affected: yes.
Comment: Not observed at significant frequency in large population cohorts (gnomAD); In silico analysis supports that this missense variant has a deleterious effect on protein structure/function; In silico analysis supports that this missense variant has a deleterious effect on splicing; Has not been previously published as pathogenic or benign to our knowledge